The following is an entry in ClinVar:

NM_030912.3(TRIM8):c.1390A>T (p.Lys464Ter)

Gene: TRIM8 (tripartite motif containing 8; plus strand). Cytogenetic location: 10q24.32.
Variant type: single nucleotide variant.
Coding change: c.1390A>T on transcript NM_030912.3 (MANE Select); coding-DNA position 1390, A replaced by T.
Protein change: p.Lys464Ter; replaces lysine 464 with a stop codon.
Molecular consequence: nonsense. On other transcripts: non-coding transcript variant (1).
Genome position (GRCh38, 1-based): chr10:102,657,088, A>T. VCF-style: chr10-102657088-A-T. GRCh37 (hg19) VCF-style: chr10-104416845-A-T.
Other names: c.1294A>T, p.Lys432Ter (NM_001345950.1); short protein forms K432*, K464*.
Identifiers: ClinVar variation 4086441 (VCV004086441.1).

ClinVar aggregate classification (germline): Pathogenic (1 of 4 stars; one submission).

Submission:

GeneDx
Classification: Pathogenic. Last evaluated: 2025-03-13. Review status: criteria provided, single submitter. Criteria: GeneDx Variant Classification Process June 2021. Collection method: clinical testing. Allele origin: germline. Affected: yes.
Comment: Reported de novo in a proband from a large cohort with developmental disorders, but detailed clinical information was not provided (PMID: 33057194); Nonsense variant predicted to result in protein truncation, as the last 88 amino acid(s) are lost, and other loss-of-function variants have been reported downstream in HGMD; Not observed at significant frequency in large population cohorts (gnomAD); This variant is associated with the following publications: (PMID: 35982159, 33057194)